The following is an entry in ClinVar:

ClinVar aggregate classification (germline): Uncertain significance (1 of 4 stars; one submission).

Conditions:
Cardiovascular phenotype. Identifiers: MedGen CN230736.

gnomAD v4.1: 1 of 1,613,590 alleles (0.000062%); no homozygotes.

Submission:

Ambry Genetics
Classification: Uncertain significance for Cardiovascular phenotype. Last evaluated: 2020-09-04. Review status: criteria provided, single submitter. Criteria: Ambry Variant Classification Scheme 2023. Collection method: clinical testing. Allele origin: germline.
Comment: The c.372+2T>A intronic variant results from a T to A substitution two nucleotides after coding exon 6 in the TNNI3 gene. This nucleotide position is highly conserved in available vertebrate species. In silico splice site analysis predicts that this alteration will weaken the native splice donor site and will result in the creation or strengthening of a novel splice donor site. Alterations that disrupt the canonical splice site are expected to cause aberrant splicing, resulting in an abnormal protein or a transcript that is subject to nonsense-mediated mRNA decay. However, loss of function of TNNI3 has not been clearly established as a mechanism of disease. Since supporting evidence is limited at this time, the clinical significance of this alteration remains unclear.

NM_000363.5(TNNI3):c.372+2T>A

Gene: TNNI3 (troponin I3, cardiac type; minus strand). Cytogenetic location: 19q13.42.
Variant type: single nucleotide variant.
Coding change: c.372+2T>A on transcript NM_000363.5 (MANE Select); the canonical splice donor site of the intron after coding-DNA position 372, T replaced by A.
Molecular consequence: splice donor variant.
Genome position (GRCh38, 1-based): chr19:55,154,739, A>T on the plus strand (T>A on the coding strand, the complement: TNNI3 is on the minus strand). VCF-style: chr19-55154739-A-T. GRCh37 (hg19) VCF-style: chr19-55666107-A-T.
Identifiers: ClinVar variation 1734289 (VCV001734289.2), dbSNP rs1319124481, ClinGen allele CA407440895.